The following is an entry in ClinVar:

NM_000548.5(TSC2):c.3317A>T (p.Lys1106Met)

Gene: TSC2 (TSC complex subunit 2; plus strand). Cytogenetic location: 16p13.3.
Variant type: single nucleotide variant.
Coding change: c.3317A>T on transcript NM_000548.5 (MANE Select); coding-DNA position 3317, A replaced by T.
Protein change: p.Lys1106Met; replaces lysine 1106 with methionine.
Molecular consequence: missense variant.
Genome position (GRCh38, 1-based): chr16:2,079,589, A>T. VCF-style: chr16-2079589-A-T. GRCh37 (hg19) VCF-style: chr16-2129590-A-T.
Other names: c.3185A>T, p.Lys1062Met (NM_001077183.3, NM_001370404.1); c.3317A>T, p.Lys1106Met (NM_001114382.3); c.3077A>T, p.Lys1026Met (NM_001318827.2); c.3041A>T, p.Lys1014Met (NM_001318829.2); c.2585A>T, p.Lys862Met (NM_001318831.2); c.3218A>T, p.Lys1073Met (NM_001318832.2); c.3188A>T, p.Lys1063Met (NM_001363528.2, NM_001370405.1, NM_021055.3); short protein forms K1106M, K1062M, K1063M, K862M, K1014M, K1026M, K1073M.
Identifiers: ClinVar variation 486673 (VCV000486673.13), dbSNP rs764113584, ClinGen allele CA045694.

ClinVar aggregate classification (germline): Conflicting classifications of pathogenicity. Review status: criteria provided, conflicting classifications (1 of 4 stars). 2 submissions from 2 submitters: Uncertain significance (1); Benign (1). Last evaluated 2024-08-27.

Conditions:
Hereditary cancer-predisposing syndrome. Also called: Tumor predisposition; Neoplastic Syndromes, Hereditary; Hereditary Cancer Syndrome; Hereditary neoplastic syndrome. Identifiers: Orphanet 140162, MedGen C0027672, MeSH D009386, MONDO:0015356.
Tuberous sclerosis 2 (TSC2). Identifiers: Orphanet 805, MedGen C1860707, MONDO:0013199, OMIM 613254.

Allele frequency attached by ClinVar (database versions not stated): gnomAD exomes below 0.00001; ExAC 0.00001; gnomAD 0.00001; TOPMed 0.00001.
gnomAD v4.1: 1 of 1,611,494 alleles (0.000062%); highest among the groups gnomAD compares: African/African-American, 0.0013%; no homozygotes.

Submissions (2):

Labcorp Genetics (formerly Invitae), Labcorp
Classification: Benign for Tuberous sclerosis 2. Last evaluated: 2024-08-27. Review status: criteria provided, single submitter. Criteria: Invitae Variant Classification Sherloc (09022015). Collection method: clinical testing. Allele origin: germline.

Ambry Genetics
Classification: Uncertain significance for Hereditary cancer-predisposing syndrome. Last evaluated: 2016-08-16. Review status: criteria provided, single submitter. Criteria: Ambry Variant Classification Scheme 2023. Collection method: clinical testing. Allele origin: germline.
Comment: The p.K1106M variant (also known as c.3317A>T), located in coding exon 28 of the TSC2 gene, results from an A to T substitution at nucleotide position 3317. The lysine at codon 1106 is replaced by methionine, an amino acid with similar properties. This variant was not reported in population based cohorts in the following databases: Database of Single Nucleotide Polymorphisms (dbSNP), NHLBI Exome Sequencing Project (ESP), and 1000 Genomes Project. In the ESP, this variant was not observed in 6473 samples (12946 alleles) with coverage at this position. To date, this alteration has been detected with an allele frequency of approximately 0.006% (greater than 20000 alleles tested) in our clinical cohort. This nucleotide position is highly conserved in available vertebrate species. This amino acid position is highly conserved in available vertebrate species. In addition, this alteration is predicted to be deleterious by in silico analysis. Since supporting evidence is limited at this time, the clinical significance of this alteration remains unclear.